The following is an entry in ClinVar:

ClinVar aggregate classification (germline): Likely pathogenic. Review status: criteria provided, multiple submitters, no conflicts (2 of 4 stars). 2 submissions from 2 submitters: Likely pathogenic (2). Last evaluated 2024-08-07.

Conditions:
ALG8 congenital disorder of glycosylation. Also called: CONGENITAL DISORDER OF GLYCOSYLATION, TYPE Ih; CDG Ih; ALG8-CDG. Identifiers: Orphanet 79325, MedGen C2931002, MONDO:0011969, OMIM 608104.
Polycystic liver disease 3 with or without kidney cysts. Identifiers: MedGen C4693472, MONDO:0054743, OMIM 617874.

Submissions (2):

GeneDx
Classification: Likely pathogenic. Last evaluated: 2024-08-07. Review status: criteria provided, single submitter. Criteria: GeneDx Variant Classification Process June 2021. Collection method: clinical testing. Allele origin: germline. Affected: yes.
Comment: Frameshift variant predicted to result in protein truncation or nonsense mediated decay in a gene for which loss-of-function is a known mechanism of disease; Not observed at significant frequency in large population cohorts (gnomAD); Has not been previously published as pathogenic or benign to our knowledge

Fulgent Genetics
Classification: Likely pathogenic for ALG8 congenital disorder of glycosylation; Polycystic liver disease 3 with or without kidney cysts. Last evaluated: 2024-02-27. Review status: criteria provided, single submitter. Criteria: ACMG Guidelines, 2015. Collection method: clinical testing. Allele origin: germline.

NM_024079.5(ALG8):c.1057del (p.Trp353fs)

Gene: ALG8 (ALG8 alpha-1,3-glucosyltransferase; minus strand). Cytogenetic location: 11q14.1.
Variant type: Deletion.
Coding change: c.1057del on transcript NM_024079.5 (MANE Select); coding-DNA position 1057, one base deleted (T; older notation c.1057delT).
Protein change: p.Trp353fs; shifts the reading frame from tryptophan 353.
Molecular consequence: frameshift variant. On other transcripts: intron variant (6).
Genome position (GRCh38, 1-based): chr11:78,106,928, A deleted on the plus strand (T on the coding strand, the reverse complement: ALG8 is on the minus strand); the first of 3 consecutive A bases (chr11:78,106,928-78,106,930); deleting any one gives the same sequence. VCF-style (leftmost placement, unchanged base first): chr11-78106927-CA-C. GRCh37 (hg19) VCF-style: chr11-77817973-CA-C.
Other names: c.1057del (NM_024079.4); c.1057del, p.Trp353fs (NM_001007027.3, NM_001425222.1, NM_001425227.1 and 3 more transcripts); c.1060del, p.Trp354fs (NM_001425219.1); c.1042del, p.Trp348fs (NM_001425220.1); c.1051del, p.Trp351fs (NM_001425223.1); c.1150del, p.Trp384fs (NM_001425224.1); c.1105del, p.Trp369fs (NM_001425225.1); c.904del, p.Trp302fs (NM_001425226.1, NM_001425236.1); and 11 more; short protein forms W189fs, W266fs, W302fs, W348fs, W354fs, W286fs, W369fs, W168fs.
Identifiers: ClinVar variation 3574041 (VCV003574041.2).